The following is an entry in ClinVar:

NM_000051.4(ATM):c.-30-5dup

Gene: ATM (ATM serine/threonine kinase; plus strand). Cytogenetic location: 11q22.3.
Variant type: Duplication.
Coding change: c.-30-5dup on transcript NM_000051.4 (MANE Select); 5 bases into the intron before 30 bases upstream of the start codon, one base duplicated (T; older notation c.-30-5dupT).
Molecular consequence: intron variant.
Genome position (GRCh38, 1-based): chr11:108,227,590, T duplicated; the last of 8 consecutive T bases (chr11:108,227,583-108,227,590); duplicating any one gives the same sequence. VCF-style (leftmost placement, unchanged base first): chr11-108227582-A-AT. GRCh37 (hg19) VCF-style: chr11-108098309-A-AT.
Other names: c.-30-5dupT (NM_000051.3); c.-30-5dup (NM_001351834.2, NM_001351835.2, NM_001351836.2).
Identifiers: ClinVar variation 1238624 (VCV001238624.7), dbSNP rs745673370, ClinGen allele CA6264489.

ClinVar aggregate classification (germline): Conflicting classifications of pathogenicity. Review status: criteria provided, conflicting classifications (1 of 4 stars). 4 submissions from 4 submitters: Uncertain significance (1); Benign (1); Likely benign (1). 1 of the submissions does not count toward it. Last evaluated 2024-09-16.

Conditions:
Hereditary cancer-predisposing syndrome. Also called: Hereditary neoplastic syndrome; Hereditary Cancer Syndrome; Neoplastic Syndromes, Hereditary; Tumor predisposition. Identifiers: Orphanet 140162, MedGen C0027672, MeSH D009386, MONDO:0015356.
ATM-related disorder. Also called: ATM-related disorders; ATM-related condition.

Submissions (4):

Blueprint Genetics
Classification: Likely benign. Last evaluated: 2024-09-16. Review status: criteria provided, single submitter. Criteria: ACMG Guidelines, 2015. Collection method: clinical testing. Allele origin: germline.

Sema4
Classification: Uncertain significance for Hereditary cancer-predisposing syndrome. Last evaluated: 2021-09-20. Review status: criteria provided, single submitter. Criteria: Sema4 Curation Guidelines. Collection method: curation. Allele origin: germline.
Comment: The ATM c.-30-5dup variant has not been reported in the literature to our knowledge. This variant is not reported in the population database Genome Aggregation Database (PMID: 32461654) nor in ClinVar. The evidence is insufficient to meet ACMG/AMP criteria for classifying the variant as benign or pathogenic. Thus, the clinical significance of this variant is currently uncertain.

GeneDx
Classification: Benign. Last evaluated: 2015-03-03. Review status: criteria provided, single submitter. Criteria: GeneDx Variant Classification Process June 2021. Collection method: clinical testing. Allele origin: germline. Affected: yes.

PreventionGenetics, part of Exact Sciences
Classification: Likely benign for ATM-related condition. Last evaluated: 2019-04-25. Review status: no assertion criteria provided. Collection method: clinical testing. Allele origin: germline. Not counted in ClinVar's aggregate classification.
Comment: This variant is classified as likely benign based on ACMG/AMP sequence variant interpretation guidelines (Richards et al. 2015 PMID: 25741868, with internal and published modifications).